The following is an entry in ClinVar:

ClinVar aggregate classification (germline): Pathogenic (1 of 4 stars; one submission).

Conditions:
Multiple endocrine neoplasia, type 1 (MEN1). Also called: MEN I; WERMER SYNDROME; Endocrine adenomatosis multiple; MEN 1; MEA I. Identifiers: Orphanet 652, MedGen C0025267, MeSH D018761, MONDO:0007540, OMIM 131100.

Submission:

Labcorp Genetics (formerly Invitae), Labcorp
Classification: Pathogenic for Multiple endocrine neoplasia, type 1. Last evaluated: 2024-03-28. Review status: criteria provided, single submitter. Criteria: Invitae Variant Classification Sherloc (09022015). Collection method: clinical testing. Allele origin: germline.
Comment: This sequence change creates a premature translational stop signal (p.Gly169Valfs*16) in the MEN1 gene. It is expected to result in an absent or disrupted protein product. Loss-of-function variants in MEN1 are known to be pathogenic (PMID: 12112656, 17853334). This variant is not present in population databases (gnomAD no frequency). This premature translational stop signal has been observed in individual(s) with multiple endocrine neoplasia type 1 (PMID: 26905068). For these reasons, this variant has been classified as Pathogenic.

Literature cited by the submitters: PubMed 12112656; PubMed 17853334; PubMed 26905068.

NM_001370259.2(MEN1):c.506del (p.Gly169fs)

Gene: MEN1 (menin 1; minus strand). Cytogenetic location: 11q13.1.
Variant type: Deletion.
Coding change: c.506del on transcript NM_001370259.2 (MANE Select); coding-DNA position 506, one base deleted (G; older notation c.506delG).
Protein change: p.Gly169fs; shifts the reading frame from glycine 169.
Molecular consequence: frameshift variant. On other transcripts: non-coding transcript variant (4).
Genome position (GRCh38, 1-based): chr11:64,808,039, C deleted on the plus strand (G on the coding strand, the reverse complement: MEN1 is on the minus strand); the first of 3 consecutive C bases (chr11:64,808,039-64,808,041); deleting any one gives the same sequence. VCF-style (leftmost placement, unchanged base first): chr11-64808038-AC-A. GRCh37 (hg19) VCF-style: chr11-64575510-AC-A.
Other names: c.521del, p.Gly174fs (NM_000244.4, NM_001407145.1, NM_001407150.1 and 5 more transcripts); c.506del, p.Gly169fs (NM_001370251.2, NM_001370260.2, NM_001370261.2 and 12 more transcripts); short protein forms G174fs, G169fs.
Identifiers: ClinVar variation 3709104 (VCV003709104.2).